The following is an entry in ClinVar:

ClinVar aggregate classification (germline): Uncertain significance (1 of 4 stars; one submission).

Allele frequency attached by ClinVar (database versions not stated): gnomAD exomes below 0.00001.
gnomAD v4.1: 4 of 1,613,854 alleles (0.00025%); highest among the groups gnomAD compares: Non-Finnish European, 0.00034%; no homozygotes.

Submission:

Labcorp Genetics (formerly Invitae), Labcorp
Classification: Uncertain significance. Last evaluated: 2022-08-07. Review status: criteria provided, single submitter. Criteria: Invitae Variant Classification Sherloc (09022015). Collection method: clinical testing. Allele origin: germline.
Comment: This variant is not present in population databases (gnomAD no frequency). In summary, the available evidence is currently insufficient to determine the role of this variant in disease. Therefore, it has been classified as a Variant of Uncertain Significance. Advanced modeling of protein sequence and biophysical properties (such as structural, functional, and spatial information, amino acid conservation, physicochemical variation, residue mobility, and thermodynamic stability) performed at Invitae indicates that this missense variant is not expected to disrupt COQ8A protein function. This variant has not been reported in the literature in individuals affected with COQ8A-related conditions. This sequence change replaces asparagine, which is neutral and polar, with serine, which is neutral and polar, at codon 639 of the COQ8A protein (p.Asn639Ser).

NM_020247.5(COQ8A):c.1916A>G (p.Asn639Ser)

Gene: COQ8A (coenzyme Q8A; plus strand). Cytogenetic location: 1q42.13.
Variant type: single nucleotide variant.
Coding change: c.1916A>G on transcript NM_020247.5 (MANE Select); coding-DNA position 1916, A replaced by G.
Protein change: p.Asn639Ser; replaces asparagine 639 with serine.
Molecular consequence: missense variant.
Genome position (GRCh38, 1-based): chr1:226,986,709, A>G. VCF-style: chr1-226986709-A-G. GRCh37 (hg19) VCF-style: chr1-227174410-A-G.
Other names: short protein forms N639S.
Identifiers: ClinVar variation 1932477 (VCV001932477.5), dbSNP rs1660142710, ClinGen allele CA345057392.